The following is an entry in ClinVar:

ClinVar aggregate classification (germline): Uncertain significance. Review status: criteria provided, multiple submitters, no conflicts (2 of 4 stars). 2 submissions from 2 submitters: Uncertain significance (2). Last evaluated 2026-01-14.

gnomAD v4.1: 5 of 1,613,804 alleles (0.00031%); highest among the groups gnomAD compares: Admixed American, 0.0017%; no homozygotes.

Submissions (2):

Labcorp Genetics (formerly Invitae), Labcorp
Classification: Uncertain significance. Last evaluated: 2026-01-14. Review status: criteria provided, single submitter. Criteria: Invitae Variant Classification Sherloc (09022015). Collection method: clinical testing. Allele origin: germline.
Comment: This sequence change replaces arginine, which is basic and polar, with cysteine, which is neutral and slightly polar, at codon 642 of the CACNA1D protein (p.Arg642Cys). This variant is not present in population databases (gnomAD no frequency). This variant has not been reported in the literature in individuals affected with CACNA1D-related conditions. ClinVar contains an entry for this variant (Variation ID: 3360236). Invitae Evidence Modeling of protein sequence and biophysical properties (such as structural, functional, and spatial information, amino acid conservation, physicochemical variation, residue mobility, and thermodynamic stability) indicates that this missense variant is expected to disrupt CACNA1D protein function with a positive predictive value of 80%. In summary, the available evidence is currently insufficient to determine the role of this variant in disease. Therefore, it has been classified as a Variant of Uncertain Significance.

GeneDx
Classification: Uncertain significance. Last evaluated: 2023-06-25. Review status: criteria provided, single submitter. Criteria: GeneDx Variant Classification Process June 2021. Collection method: clinical testing. Allele origin: germline. Affected: yes.
Comment: Not observed at significant frequency in large population cohorts (gnomAD); In silico analysis supports that this missense variant has a deleterious effect on protein structure/function; Has not been previously published as pathogenic or benign to our knowledge

NM_001128840.3(CACNA1D):c.1864C>T (p.Arg622Cys)

Gene: CACNA1D (calcium voltage-gated channel subunit alpha1 D; plus strand). Cytogenetic location: 3p21.1.
Variant type: single nucleotide variant.
Coding change: c.1864C>T on transcript NM_001128840.3 (MANE Select); coding-DNA position 1864, C replaced by T.
Protein change: p.Arg622Cys; replaces arginine 622 with cysteine.
Molecular consequence: missense variant.
Genome position (GRCh38, 1-based): chr3:53,723,631, C>T. VCF-style: chr3-53723631-C-T. GRCh37 (hg19) VCF-style: chr3-53757658-C-T.
Other names: c.1924C>T, p.Arg642Cys (NM_000720.4); c.1864C>T, p.Arg622Cys (NM_001128839.3); short protein forms R622C, R642C.
Identifiers: ClinVar variation 3360236 (VCV003360236.2).